The following is an entry in ClinVar:

ClinVar aggregate classification (germline): Uncertain significance. Review status: criteria provided, multiple submitters, no conflicts (2 of 4 stars). 2 submissions from 2 submitters: Uncertain significance (2). Last evaluated 2019-08-08.

Conditions:
Ataxia-telangiectasia syndrome (AT). Also called: Cerebello-oculocutaneous telangiectasia; Immunodeficiency with ataxia telangiectasia; Ataxia-telangiectasia, complementation group E; Ataxia-telangiectasia, complementation group D; AT, COMPLEMENTATION GROUP C; ATAXIA-TELANGIECTASIA, COMPLEMENTATION GROUP A. Identifiers: Orphanet 100, MedGen C0004135, MONDO:0008840, OMIM 208900.
Hereditary cancer-predisposing syndrome. Also called: Hereditary Cancer Syndrome; Neoplastic Syndromes, Hereditary; Hereditary neoplastic syndrome; Tumor predisposition. Identifiers: Orphanet 140162, MedGen C0027672, MeSH D009386, MONDO:0015356.

Submissions (2):

Ambry Genetics
Classification: Uncertain significance for Hereditary cancer-predisposing syndrome. Last evaluated: 2019-08-08. Review status: criteria provided, single submitter. Criteria: Ambry Variant Classification Scheme 2023. Collection method: clinical testing. Allele origin: germline.
Comment: The p.G514C variant (also known as c.1540G>T), located in coding exon 9 of the ATM gene, results from a G to T substitution at nucleotide position 1540. The glycine at codon 514 is replaced by cysteine, an amino acid with highly dissimilar properties. This amino acid position is well conserved in available vertebrate species. In addition, the in silico prediction for this alteration is inconclusive. Since supporting evidence is limited at this time, the clinical significance of this alteration remains unclear.

Labcorp Genetics (formerly Invitae), Labcorp
Classification: Uncertain significance for Ataxia-telangiectasia syndrome. Last evaluated: 2019-01-30. Review status: criteria provided, single submitter. Criteria: Invitae Variant Classification Sherloc (09022015). Collection method: clinical testing. Allele origin: germline.
Comment: This variant has not been reported in the literature in individuals with ATM-related conditions. In summary, the available evidence is currently insufficient to determine the role of this variant in disease. Therefore, it has been classified as a Variant of Uncertain Significance. Algorithms developed to predict the effect of missense changes on protein structure and function are either unavailable or do not agree on the potential impact of this missense change (SIFT: "Tolerated"; PolyPhen-2: "Possibly Damaging"; Align-GVGD: "Class C15"). This variant is not present in population databases (ExAC no frequency). This sequence change replaces glycine with cysteine at codon 514 of the ATM protein (p.Gly514Cys). The glycine residue is moderately conserved and there is a large physicochemical difference between glycine and cysteine.

NM_000051.4(ATM):c.1540G>T (p.Gly514Cys)

Gene: ATM (ATM serine/threonine kinase; plus strand). Cytogenetic location: 11q22.3.
Variant type: single nucleotide variant.
Coding change: c.1540G>T on transcript NM_000051.4 (MANE Select); coding-DNA position 1540, G replaced by T.
Protein change: p.Gly514Cys; replaces glycine 514 with cysteine.
Molecular consequence: missense variant.
Genome position (GRCh38, 1-based): chr11:108,251,005, G>T. VCF-style: chr11-108251005-G-T. GRCh37 (hg19) VCF-style: chr11-108121732-G-T.
Other names: c.1540G>T, p.Gly514Cys (NM_001351834.2); short protein forms G514C.
Identifiers: ClinVar variation 819506 (VCV000819506.14), dbSNP rs1591524652, ClinGen allele CA382534314.